The following is an entry in ClinVar:

NM_001160372.4(TRAPPC9):c.949T>A (p.Cys317Ser)

Gene: TRAPPC9 (trafficking protein particle complex subunit 9; minus strand). Cytogenetic location: 8q24.3.
Variant type: single nucleotide variant.
Coding change: c.949T>A on transcript NM_001160372.4 (MANE Select); coding-DNA position 949, T replaced by A.
Protein change: p.Cys317Ser; replaces cysteine 317 with serine.
Molecular consequence: missense variant. On other transcripts: non-coding transcript variant (1).
Genome position (GRCh38, 1-based): chr8:140,405,636, A>T on the plus strand (T>A on the coding strand, the complement: TRAPPC9 is on the minus strand). VCF-style: chr8-140405636-A-T. GRCh37 (hg19) VCF-style: chr8-141415735-A-T.
Other names: c.922T>A, p.Cys308Ser (NM_001321646.2); c.970T>A, p.Cys324Ser (NM_001374682.1); c.949T>A, p.Cys317Ser (NM_001374683.1, NM_001374684.1, NM_031466.8); short protein forms C324S, C308S, C317S.
Identifiers: ClinVar variation 2017312 (VCV002017312.5), dbSNP rs2069463579, ClinGen allele CA372320714.

ClinVar aggregate classification (germline): Uncertain significance. Review status: criteria provided, multiple submitters, no conflicts (2 of 4 stars). 2 submissions from 2 submitters: Uncertain significance (2). Last evaluated 2022-11-08.

Conditions:
Inborn genetic diseases. Identifiers: MedGen C0950123, MeSH D030342.

Allele frequency attached by ClinVar (database versions not stated): gnomAD 0.00001; gnomAD exomes 0.00001; TOPMed 0.00001.
gnomAD v4.1: 16 of 1,613,678 alleles (0.00099%); highest among the groups gnomAD compares: Non-Finnish European, 0.0014%; no homozygotes.

Submissions (2):

Ambry Genetics
Classification: Uncertain significance for Inborn genetic diseases. Last evaluated: 2022-11-08. Review status: criteria provided, single submitter. Criteria: Ambry Variant Classification Scheme 2023. Collection method: clinical testing. Allele origin: germline.

Labcorp Genetics (formerly Invitae), Labcorp
Classification: Uncertain significance. Last evaluated: 2022-05-13. Review status: criteria provided, single submitter. Criteria: Invitae Variant Classification Sherloc (09022015). Collection method: clinical testing. Allele origin: germline.
Comment: This variant is not present in population databases (gnomAD no frequency). This sequence change replaces cysteine, which is neutral and slightly polar, with serine, which is neutral and polar, at codon 415 of the TRAPPC9 protein (p.Cys415Ser). This variant has not been reported in the literature in individuals affected with TRAPPC9-related conditions. In summary, the available evidence is currently insufficient to determine the role of this variant in disease. Therefore, it has been classified as a Variant of Uncertain Significance. Algorithms developed to predict the effect of missense changes on protein structure and function are either unavailable or do not agree on the potential impact of this missense change (SIFT: "Not Available"; PolyPhen-2: "Probably Damaging"; Align-GVGD: "Not Available").